The following is an entry in ClinVar:

ClinVar aggregate classification (germline): Conflicting classifications of pathogenicity. Review status: criteria provided, conflicting classifications (1 of 4 stars). 7 submissions from 5 submitters: Uncertain significance (6); Benign (1). Last evaluated 2025-08-08.

Conditions:
Pyropoikilocytosis, hereditary. Also called: Pyropoikilocytosis. Identifiers: MedGen C0520739, MONDO:0009948, OMIM 266140, HP:0004839. Disease mechanism: loss of function.
Hereditary spherocytosis type 3. Also called: Spherocytosis type 3; SPTA1-Related Spherocytosis. Identifiers: Orphanet 822, MedGen C2678338, MONDO:0010053, OMIM 270970.
Elliptocytosis 2 (EL2). Also called: ELLIPTOCYTOSIS, RHESUS-UNLINKED TYPE. Identifiers: Orphanet 288, MedGen C1851741, MONDO:0007533, OMIM 130600.

Allele frequency attached by ClinVar (database versions not stated): gnomAD 0.00006 and 0.00007; TOPMed 0.00009; gnomAD exomes 0.00011; ExAC 0.00012; 1000 Genomes Project 30x 0.00031; 1000 Genomes Project 0.00040.
gnomAD v4.1: 126 of 1,614,090 alleles (0.0078%); highest among the groups gnomAD compares: East Asian, 0.23%; no homozygotes.

Submissions (7):

GeneDx
Classification: Uncertain significance. Last evaluated: 2025-08-08. Review status: criteria provided, single submitter. Criteria: GeneDx Variant Classification Process June 2021. Collection method: clinical testing. Allele origin: germline. Affected: yes.
Comment: In silico analysis suggests that this missense variant does not alter protein structure/function; Has not been previously published as pathogenic or benign to our knowledge

Ambry Genetics
Classification: Uncertain significance. Last evaluated: 2024-08-14. Review status: criteria provided, single submitter. Criteria: Ambry Variant Classification Scheme 2023. Collection method: clinical testing. Allele origin: germline.

Labcorp Genetics (formerly Invitae), Labcorp
Classification: Benign. Last evaluated: 2023-07-03. Review status: criteria provided, single submitter. Criteria: Invitae Variant Classification Sherloc (09022015). Collection method: clinical testing. Allele origin: germline.

Mayo Clinic Laboratories, Mayo Clinic
Classification: Uncertain significance. Last evaluated: 2022-07-20. Review status: criteria provided, single submitter. Criteria: ACMG Guidelines, 2015. Collection method: clinical testing. Allele origin: germline. Observed: 6 variant alleles.
Comment: BP4_strong

Illumina Laboratory Services, Illumina
Classification: Uncertain significance for Pyropoikilocytosis, hereditary. Last evaluated: 2018-01-12. Review status: criteria provided, single submitter. Criteria: ICSL Variant Classification Criteria 13 December 2019. Collection method: clinical testing. Allele origin: germline.

Illumina Laboratory Services, Illumina
Classification: Uncertain significance for Elliptocytosis 2. Last evaluated: 2018-01-12. Review status: criteria provided, single submitter. Criteria: ICSL Variant Classification Criteria 13 December 2019. Collection method: clinical testing. Allele origin: germline.

Illumina Laboratory Services, Illumina
Classification: Uncertain significance for Hereditary spherocytosis type 3. Last evaluated: 2018-01-12. Review status: criteria provided, single submitter. Criteria: ICSL Variant Classification Criteria 13 December 2019. Collection method: clinical testing. Allele origin: germline.

NM_003126.4(SPTA1):c.2267T>C (p.Ile756Thr)

Gene: SPTA1 (spectrin alpha, erythrocytic 1; minus strand). Cytogenetic location: 1q23.1.
Variant type: single nucleotide variant.
Coding change: c.2267T>C on transcript NM_003126.4 (MANE Select); coding-DNA position 2267, T replaced by C.
Protein change: p.Ile756Thr; replaces isoleucine 756 with threonine.
Molecular consequence: missense variant.
Genome position (GRCh38, 1-based): chr1:158,662,899, A>G on the plus strand (T>C on the coding strand, the complement: SPTA1 is on the minus strand). VCF-style: chr1-158662899-A-G. GRCh37 (hg19) VCF-style: chr1-158632689-A-G.
Other names: short protein forms I756T.
Identifiers: ClinVar variation 293019 (VCV000293019.16), dbSNP rs118088187, ClinGen allele CA1183447.
Genomic context (GRCh38, chr1:158,662,899, plus strand): 5'-TCAAATCGGCATACCAAGGACTCTTGCCTTGCCCTTATATCCTTAGAATCAGGATGGCCT[A>G]TTTCTTCAAAATATGCAGCCAGGTCTGTAAGGATATCCACCTGATCCTAAGGGAGAAATA-3'
Protein context (NP_003117.2, residues 746-766): LTDLAAYFEE[Ile756Thr]GHPDSKDIRA